The following is an entry in ClinVar:

NM_182914.3(SYNE2):c.11549_11550delinsGA (p.Asp3850Gly)

Gene: SYNE2 (spectrin repeat containing nuclear envelope protein 2; plus strand). Cytogenetic location: 14q23.2.
Variant type: Indel.
Coding change: c.11549_11550delinsGA on transcript NM_182914.3 (MANE Select); coding-DNA positions 11549 to 11550, AC replaced by GA.
Protein change: p.Asp3850Gly; replaces aspartic acid 3850 with glycine.
Molecular consequence: missense variant.
Genome position (GRCh38, 1-based): chr14:64,087,735-64,087,736, AC replaced by GA. VCF-style: chr14-64087735-AC-GA. GRCh37 (hg19) VCF-style: chr14-64554453-AC-GA.
Other names: c.11549_11550delinsGA, p.Asp3850Gly (NM_015180.6); short protein forms D3850G.
Identifiers: ClinVar variation 448624 (VCV000448624.13), dbSNP rs1555473349, ClinGen allele CA658658260.

ClinVar aggregate classification (germline): Conflicting classifications of pathogenicity. Review status: criteria provided, conflicting classifications (1 of 4 stars). 4 submissions from 4 submitters: Uncertain significance (3); Likely benign (1). Last evaluated 2024-07-05.

Conditions:
Emery-Dreifuss muscular dystrophy 5, autosomal dominant (EDMD5). Also called: EMERY-DREIFUSS MUSCULAR DYSTROPHY 5. Identifiers: Orphanet 261, MedGen C2751805, MONDO:0013072, OMIM 612999.

Submissions (4):

Women's Health and Genetics/Laboratory Corporation of America, LabCorp
Classification: Likely benign. Last evaluated: 2024-07-05. Review status: criteria provided, single submitter. Criteria: LabCorp Variant Classification Summary - May 2015. Collection method: clinical testing. Allele origin: germline.
Comment: Variant summary: SYNE2 c.11549_11550delinsGA (p.Asp3850Gly) results in a non-conservative amino acid change in the encoded protein sequence. Three of five in-silico tools predict a damaging effect of the variant on protein function. The variant allele is composed of two neighboring single nucleotide variants, which are found with almost identical allele numbers, and are reported in at least 376 / 1614038 alleles, i.e. at a frequency of 0.00023 in the gnomAD database v4.1 dataset, and database also noted that these variants are found in phase in (at least) 14 of the reported 18 carriers in the v2.1 dataset. The occurrence of the variant in several carriers suggests that this variant is likely not associated with high penetrance, severe, early onset disease phenotype in heterozygous state. The two component variants have been reported in the literature in an individual with suspected limb-girdle muscular dystrophy (Kuhn_2016), however the patient had negative family history. This report does not provide unequivocal conclusions about association of the variant with Emery-Dreifuss Muscular Dystrophy 5, Autosomal Dominant. To our knowledge, no experimental evidence demonstrating an impact on protein function has been reported. ClinVar contains an entry for this variant (Variation ID: 448624). Based on the evidence outlined above, the variant was classified as likely benign.

Labcorp Genetics (formerly Invitae), Labcorp
Classification: Uncertain significance for Emery-Dreifuss muscular dystrophy 5, autosomal dominant. Last evaluated: 2024-05-29. Review status: criteria provided, single submitter. Criteria: Invitae Variant Classification Sherloc (09022015). Collection method: clinical testing. Allele origin: germline.
Comment: This sequence change replaces aspartic acid, which is acidic and polar, with glycine, which is neutral and non-polar, at codon 3850 of the SYNE2 protein (p.Asp3850Gly). This variant is present in population databases (no rsID available, gnomAD 0.005%). This variant has not been reported in the literature in individuals affected with SYNE2-related conditions. ClinVar contains an entry for this variant (Variation ID: 448624). Algorithms developed to predict the effect of missense changes on protein structure and function output the following: SIFT: "Not Available"; PolyPhen-2: "Benign"; Align-GVGD: "Not Available". The glycine amino acid residue is found in multiple mammalian species, which suggests that this missense change does not adversely affect protein function. In summary, the available evidence is currently insufficient to determine the role of this variant in disease. Therefore, it has been classified as a Variant of Uncertain Significance.

Revvity Omics, Revvity
Classification: Uncertain significance for Emery-Dreifuss muscular dystrophy 5, autosomal dominant. Last evaluated: 2019-09-09. Review status: criteria provided, single submitter. Criteria: ACMG Guidelines, 2015. Collection method: clinical testing. Allele origin: germline.

Athena Diagnostics
Classification: Uncertain significance. Last evaluated: 2017-04-28. Review status: criteria provided, single submitter. Criteria: Athena Diagnostics Criteria. Collection method: clinical testing. Allele origin: germline.

Literature cited by the submitters: PubMed 26886200 (cited by Women's Health and Genetics/Laboratory Corporation of America, LabCorp).